The following is an entry in ClinVar:

ClinVar aggregate classification (germline): Benign (0 of 4 stars; one submission).

Conditions:
SELPLG-related disorder. Also called: SELPLG-related condition.

Allele frequency attached by ClinVar (database versions not stated): ExAC 0.11245; ESP Exome Variant Server 0.13548; gnomAD 0.14005; TOPMed 0.15628; 1000 Genomes Project 0.18271; 1000 Genomes Project 30x 0.18567.
gnomAD v4.1: 135,989 of 1,614,010 alleles (8.4%); highest among the groups gnomAD compares: African/African-American, 28%; 8,858 homozygotes.

Submission:

PreventionGenetics, part of Exact Sciences
Classification: Benign for SELPLG-related condition. Last evaluated: 2019-11-04. Review status: no assertion criteria provided. Collection method: clinical testing. Allele origin: germline.
Comment: This variant is classified as benign based on ACMG/AMP sequence variant interpretation guidelines (Richards et al. 2015 PMID: 25741868, with internal and published modifications).

NM_003006.4(SELPLG):c.186G>A (p.Met62Ile)

Gene: SELPLG (selectin P ligand; minus strand). Cytogenetic location: 12q24.11.
Variant type: single nucleotide variant.
Coding change: c.186G>A on transcript NM_003006.4 (MANE Select); coding-DNA position 186, G replaced by A.
Protein change: p.Met62Ile; replaces methionine 62 with isoleucine.
Molecular consequence: missense variant.
Genome position (GRCh38, 1-based): chr12:108,624,122, C>T on the plus strand (G>A on the coding strand, the complement: SELPLG is on the minus strand). VCF-style: chr12-108624122-C-T. GRCh37 (hg19) VCF-style: chr12-109017898-C-T.
Other names: c.234G>A, p.Met78Ile (NM_001206609.2); short protein forms M62I, M78I.
Identifiers: ClinVar variation 3055988 (VCV003055988.2), dbSNP rs2228315, ClinGen allele CA6769397.
Genomic context (GRCh38, chr12:108,624,122, plus strand): 5'-AGTGGTAGACTCAGGGGTTCCAGGCCCAGTCAGAGGAGTGGTGTCAGTGCTGTTCCTCAG[C>T]ATTTCTGGAGGCTCCGTTTCTGGCAGGAAATCATAATCTAGGTACTCATATTCGGTGGCC-3'
Protein context (NP_002997.2, residues 52-72): DFLPETEPPE[Met62Ile]LRNSTDTTPL